The following is an entry in ClinVar:

NM_182972.3(IRF2BP2):c.1759_1760del (p.Ser587fs)

Gene: IRF2BP2 (interferon regulatory factor 2 binding protein 2; minus strand). Cytogenetic location: 1q42.3.
Variant type: Deletion.
Coding change: c.1759_1760del on transcript NM_182972.3 (MANE Select); coding-DNA positions 1759 to 1760, 2 bases deleted (TC; older notation c.1759_1760delTC).
Protein change: p.Ser587fs; shifts the reading frame from serine 587.
Molecular consequence: frameshift variant.
Genome position (GRCh38, 1-based): chr1:234,607,141-234,607,142, GA deleted on the plus strand (TC on the coding strand, the reverse complement: IRF2BP2 is on the minus strand); deleting any 2 consecutive bases within chr1:234,607,141-234,607,143 gives the same sequence; the c. name uses the placement nearest the transcript's 3' end. VCF-style (leftmost placement, unchanged base first): chr1-234607140-CGA-C. GRCh37 (hg19) VCF-style: chr1-234742886-CGA-C.
Other names: c.1711_1712del, p.Ser571fs (NM_001077397.1); short protein forms S587fs, S571fs.
Identifiers: ClinVar variation 1353983 (VCV001353983.6), dbSNP rs2102768068, ClinGen allele CA2573132958.

ClinVar aggregate classification (germline): Uncertain significance (1 of 4 stars; one submission).

Submission:

Labcorp Genetics (formerly Invitae), Labcorp
Classification: Uncertain significance. Last evaluated: 2021-03-26. Review status: criteria provided, single submitter. Criteria: Invitae Variant Classification Sherloc (09022015). Collection method: clinical testing. Allele origin: germline.
Comment: This sequence change results in a frameshift in the IRF2BP2 gene (p.Ser587Valfs*14). While this is not anticipated to result in nonsense mediated decay, it is expected to disrupt the last 1 amino acid(s) of the IRF2BP2 protein and extend the protein by 12 additional amino acid residues. This variant is not present in population databases (ExAC no frequency). This variant has not been reported in the literature in individuals with IRF2BP2-related conditions. Algorithms developed to predict the effect of sequence changes on RNA splicing suggest that this variant may create or strengthen a splice site, but this prediction has not been confirmed by published transcriptional studies. In summary, the available evidence is currently insufficient to determine the role of this variant in disease. Therefore, it has been classified as a Variant of Uncertain Significance.